The following is an entry in ClinVar:

ClinVar aggregate classification (germline): Uncertain significance. Review status: criteria provided, multiple submitters, no conflicts (2 of 4 stars). 3 submissions from 3 submitters: Uncertain significance (3). Last evaluated 2024-12-12.

Conditions:
Inborn genetic diseases. Identifiers: MedGen C0950123, MeSH D030342.

Allele frequency attached by ClinVar (database versions not stated): TOPMed 0.00001; ExAC 0.00002; gnomAD 0.00004.

Submissions (3):

GeneDx
Classification: Uncertain significance. Last evaluated: 2024-12-12. Review status: criteria provided, single submitter. Criteria: GeneDx Variant Classification Process June 2021. Collection method: clinical testing. Allele origin: germline. Affected: yes.
Comment: In silico analysis supports that this missense variant has a deleterious effect on protein structure/function; Has not been previously published as pathogenic or benign to our knowledge

Labcorp Genetics (formerly Invitae), Labcorp
Classification: Uncertain significance. Last evaluated: 2022-06-10. Review status: criteria provided, single submitter. Criteria: Invitae Variant Classification Sherloc (09022015). Collection method: clinical testing. Allele origin: germline.
Comment: Algorithms developed to predict the effect of missense changes on protein structure and function (SIFT, PolyPhen-2, Align-GVGD) all suggest that this variant is likely to be disruptive. In summary, the available evidence is currently insufficient to determine the role of this variant in disease. Therefore, it has been classified as a Variant of Uncertain Significance. This variant has not been reported in the literature in individuals affected with PYCR2-related conditions. This variant is present in population databases (rs754543198, gnomAD 0.02%). This sequence change replaces isoleucine, which is neutral and non-polar, with threonine, which is neutral and polar, at codon 82 of the PYCR2 protein (p.Ile82Thr).

Ambry Genetics
Classification: Uncertain significance for Inborn genetic diseases. Last evaluated: 2021-10-12. Review status: criteria provided, single submitter. Criteria: Ambry Variant Classification Scheme 2023. Collection method: clinical testing. Allele origin: germline.

NM_013328.4(PYCR2):c.245T>C (p.Ile82Thr)

Gene: PYCR2 (pyrroline-5-carboxylate reductase 2; minus strand). Cytogenetic location: 1q42.12.
Variant type: single nucleotide variant.
Coding change: c.245T>C on transcript NM_013328.4 (MANE Select); coding-DNA position 245, T replaced by C.
Protein change: p.Ile82Thr; replaces isoleucine 82 with threonine.
Molecular consequence: missense variant.
Genome position (GRCh38, 1-based): chr1:225,922,277, A>G on the plus strand (T>C on the coding strand, the complement: PYCR2 is on the minus strand). VCF-style: chr1-225922277-A-G. GRCh37 (hg19) VCF-style: chr1-226109977-A-G.
Other names: c.245T>C, p.Ile82Thr (NM_001271681.2); c.245T>C (NM_013328.3); short protein forms I82T.
Identifiers: ClinVar variation 1895921 (VCV001895921.7), dbSNP rs754543198, ClinGen allele CA1420299.
Genomic context (GRCh38, chr1:225,922,277, plus strand): 5'-CTGATGGTGACACCAGCCGCACAGGAGACCACGATGTGTCTGGCTTGCACGTCGGCCCCA[A>G]TCTCATCCAGGATGAAGGGGATGATATGTGGCTTCACAGCCAGAAACAGGACGTCGCTGT-3'
Protein context (NP_037460.2, residues 72-92): PHIIPFILDE[Ile82Thr]GADVQARHIV